The following is an entry in ClinVar:

ClinVar aggregate classification (germline): Likely benign (1 of 4 stars; one submission).

gnomAD v4.1: 283 of 1,614,128 alleles (0.018%); highest among the groups gnomAD compares: Non-Finnish European, 0.022%; no homozygotes.

Submission:

CeGaT Center for Human Genetics Tuebingen
Classification: Likely benign. Last evaluated: 2026-09-01. Review status: criteria provided, single submitter. Criteria: CeGaT Center For Human Genetics Tuebingen Variant Classification Criteria Version 2. Collection method: clinical testing. Allele origin: germline. Affected: yes. Observed: 1 variant allele.
Comment: HPDL: BP4

NM_032756.4(HPDL):c.907G>C (p.Glu303Gln)

Genes: HPDL (4-hydroxyphenylpyruvate dioxygenase like; plus strand), LOC129930440 (ATAC-STARR-seq lymphoblastoid active region 965; plus strand). Cytogenetic location: 1p34.1.
Variant type: single nucleotide variant.
Coding change: c.907G>C on transcript NM_032756.4 (MANE Select); coding-DNA position 907, G replaced by C.
Protein change: p.Glu303Gln; replaces glutamic acid 303 with glutamine.
Molecular consequence: missense variant.
Genome position (GRCh38, 1-based): chr1:45,328,055, G>C. VCF-style: chr1-45328055-G-C. GRCh37 (hg19) VCF-style: chr1-45793727-G-C.
Other names: short protein forms E303Q.
Identifiers: ClinVar variation 5040863 (VCV005040863.1).